The following is an entry in ClinVar:

NM_002180.3(IGHMBP2):c.1730T>C (p.Leu577Pro)

Gene: IGHMBP2 (immunoglobulin mu DNA binding protein 2; plus strand). Cytogenetic location: 11q13.3.
Variant type: single nucleotide variant.
Coding change: c.1730T>C on transcript NM_002180.3 (MANE Select); coding-DNA position 1730, T replaced by C.
Protein change: p.Leu577Pro; replaces leucine 577 with proline.
Molecular consequence: missense variant.
Genome position (GRCh38, 1-based): chr11:68,935,396, T>C. VCF-style: chr11-68935396-T-C. GRCh37 (hg19) VCF-style: chr11-68702864-T-C.
Other names: short protein forms L577P.
Identifiers: ClinVar variation 522868 (VCV000522868.18), dbSNP rs1483165002, ClinGen allele CA381651275.

ClinVar aggregate classification (germline): Conflicting classifications of pathogenicity. Review status: criteria provided, conflicting classifications (1 of 4 stars). 6 submissions from 6 submitters: Pathogenic (3); Likely pathogenic (1); Uncertain significance (1). 1 of the submissions does not count toward it. Last evaluated 2026-08-05.

Conditions:
Autosomal recessive distal spinal muscular atrophy 1. Also called: NEURONOPATHY, DISTAL HEREDITARY MOTOR, HARDING TYPE VI; NEUROPATHY, DISTAL HEREDITARY MOTOR, AUTOSOMAL RECESSIVE 1; HMN VI; NEURONOPATHY, SEVERE INFANTILE AXONAL, WITH RESPIRATORY FAILURE; SEVERE INFANTILE AXONAL NEUROPATHY WITH RESPIRATORY FAILURE; SPINAL MUSCULAR ATROPHY, DIAPHRAGMATIC. Identifiers: Orphanet 98920, MedGen C1858517, MONDO:0011436, OMIM 604320.
Charcot-Marie-Tooth disease axonal type 2S. Also called: CHARCOT-MARIE-TOOTH DISEASE, AXONAL, AUTOSOMAL RECESSIVE, TYPE 2S; CHARCOT-MARIE-TOOTH NEUROPATHY, TYPE 2S. Identifiers: Orphanet 443073, MedGen C4015349, MONDO:0014511, OMIM 616155.
Inborn genetic diseases. Identifiers: MedGen C0950123, MeSH D030342.
IGHMBP2-related disorder. Also called: IGHMBP2-related disorders; IGHMBP2-related condition.
Neuronopathy, distal hereditary motor, autosomal dominant. Also called: Autosomal dominant distal hereditary motor neuropathy. Identifiers: Orphanet 140465, MedGen C5548212, MONDO:0015362.

Allele frequency attached by ClinVar (database versions not stated): gnomAD exomes below 0.00001; TOPMed 0.00001.
gnomAD v4.1: 2 of 1,614,016 alleles (0.00012%); highest among the groups gnomAD compares: African/African-American, 0.0013%; no homozygotes.

Submissions (6):

Undiagnosed Diseases Network, NIH
Classification: Pathogenic for Charcot-Marie-Tooth disease axonal type 2S. Last evaluated: 2026-08-05. Review status: criteria provided, single submitter. Criteria: ACMG Guidelines, 2015. Collection method: clinical testing. Allele origin: maternal. Inheritance: Autosomal recessive inheritance. Affected: yes. Observed: 1 variant allele, 1 compound heterozygote. Study: Undiagnosed Diseases Network (NIH), UDN.
Comment: The c.1730T>C variant has been observed in multiple, unrelated, affected individuals with Charcot Marie-Tooth disease 2. In addition, multiple lines of computational evidence support a deleterious effect of the p.Leu577Pro variant on the gene or gene product. ACMG criteria applied include PM3_strong, PM2_supporting, PM1, PM5, PP3_moderate.

Ambry Genetics
Classification: Pathogenic for Inborn genetic diseases. Last evaluated: 2023-12-11. Review status: criteria provided, single submitter. Criteria: Ambry Variant Classification Scheme 2023. Collection method: clinical testing. Allele origin: germline.
Comment: The c.1730T>C (p.L577P) alteration is located in coding exon 12 of the IGHMBP2 gene. This alteration results from a T to C substitution at nucleotide position 1730, causing the leucine (L) at amino acid position 577 to be replaced by a proline (P). This allele was reported in one heterozygous individual in population-based cohorts in the Genome Aggregation Database (gnomAD). This has been reported as a compound heterozygous finding in multiple unrelated children with IGHMBP2-related neuropathy (Grohmann, 2003; Maystadt, 2004; Cassini, 2019). This amino acid position is highly conserved in available vertebrate species. This alteration is predicted to be deleterious by in silico analysis. Based on the available evidence, this alteration is classified as pathogenic.

Labcorp Genetics (formerly Invitae), Labcorp
Classification: Pathogenic for Autosomal recessive distal spinal muscular atrophy 1; Charcot-Marie-Tooth disease axonal type 2S. Last evaluated: 2023-03-09. Review status: criteria provided, single submitter. Criteria: Invitae Variant Classification Sherloc (09022015). Collection method: clinical testing. Allele origin: germline.
Comment: This sequence change replaces leucine, which is neutral and non-polar, with proline, which is neutral and non-polar, at codon 577 of the IGHMBP2 protein (p.Leu577Pro). This variant is present in population databases (no rsID available, gnomAD 0.0009%). This missense change has been observed in individuals with Charcot-Marie-Tooth disease and/or spinal muscular atrophy with respiratory distress (PMID: 14681881, 15108294, 30598237, 31020813). ClinVar contains an entry for this variant (Variation ID: 522868). Advanced modeling of protein sequence and biophysical properties (such as structural, functional, and spatial information, amino acid conservation, physicochemical variation, residue mobility, and thermodynamic stability) has been performed at Invitae for this missense variant, however the output from this modeling did not meet the statistical confidence thresholds required to predict the impact of this variant on IGHMBP2 protein function. This variant disrupts the p.Leu577 amino acid residue in IGHMBP2. Other variant(s) that disrupt this residue have been determined to be pathogenic (PMID: 25280635; Invitae). This suggests that this residue is clinically significant, and that variants that disrupt this residue are likely to be disease-causing. For these reasons, this variant has been classified as Pathogenic.

Blueprint Genetics
Classification: Likely pathogenic for IGHMBP2-related disorders. Last evaluated: 2020-04-17. Review status: criteria provided, single submitter. Criteria: ACMG Guidelines, 2015. Collection method: clinical testing. Allele origin: germline. Affected: yes. Observed: 1 variant allele.

Revvity Omics, Revvity
Classification: Uncertain significance. Last evaluated: 2019-09-11. Review status: criteria provided, single submitter. Criteria: ACMG Guidelines, 2015. Collection method: clinical testing. Allele origin: germline.

Inherited Neuropathy Consortium
Classification: Uncertain significance for Autosomal dominant distal hereditary motor neuropathy. Review status: no assertion criteria provided. Collection method: literature only. Allele origin: germline. Affected: yes. Not counted in ClinVar's aggregate classification.

Literature cited by the submitters: PubMed 31020813 (cited by 3 submitters); PubMed 14681881 (cited by 3 submitters); PubMed 15108294 (cited by Ambry Genetics and Labcorp Genetics (formerly Invitae), Labcorp); PubMed 30598237 (cited by Labcorp Genetics (formerly Invitae), Labcorp); PubMed 25280635 (cited by Labcorp Genetics (formerly Invitae), Labcorp).